The following is an entry in ClinVar:

NM_001377.3(DYNC2H1):c.9845A>C (p.Asp3282Ala)

Gene: DYNC2H1 (dynein cytoplasmic 2 heavy chain 1; plus strand). Cytogenetic location: 11q22.3.
Variant type: single nucleotide variant.
Coding change: c.9845A>C on transcript NM_001377.3 (MANE Select); coding-DNA position 9845, A replaced by C.
Protein change: p.Asp3282Ala; replaces aspartic acid 3282 with alanine.
Molecular consequence: missense variant.
Genome position (GRCh38, 1-based): chr11:103,243,718, A>C. VCF-style: chr11-103243718-A-C. GRCh37 (hg19) VCF-style: chr11-103114447-A-C.
Other names: c.9866A>C, p.Asp3289Ala (NM_001080463.2); short protein forms D3282A, D3289A.
Identifiers: ClinVar variation 2778495 (VCV002778495.3), dbSNP rs1864505636, ClinGen allele CA382245223.

ClinVar aggregate classification (germline): Likely pathogenic (1 of 4 stars; one submission).

Conditions:
Jeune thoracic dystrophy. Also called: Jeune syndrome; Infantile thoracic dystrophy; Thoracic pelvic phalangeal dystrophy; Jeune's syndrome; Chondroectodermal dysplasia-like syndrome; Short-rib thoracic dysplasia. Identifiers: Orphanet 474, MedGen C0265275, MONDO:0018770.

Submission:

Labcorp Genetics (formerly Invitae), Labcorp
Classification: Likely pathogenic for Jeune thoracic dystrophy. Last evaluated: 2023-06-14. Review status: criteria provided, single submitter. Criteria: Invitae Variant Classification Sherloc (09022015). Collection method: clinical testing. Allele origin: germline.
Comment: In summary, the currently available evidence indicates that the variant is pathogenic, but additional data are needed to prove that conclusively. Therefore, this variant has been classified as Likely Pathogenic. This variant disrupts the p.Asp3289 amino acid residue in DYNC2H1. Other variant(s) that disrupt this residue have been determined to be pathogenic (PMID: 29068549). This suggests that this residue is clinically significant, and that variants that disrupt this residue are likely to be disease-causing. Advanced modeling of protein sequence and biophysical properties (such as structural, functional, and spatial information, amino acid conservation, physicochemical variation, residue mobility, and thermodynamic stability) performed at Invitae indicates that this missense variant is expected to disrupt DYNC2H1 protein function. This variant has not been reported in the literature in individuals affected with DYNC2H1-related conditions. This variant is not present in population databases (gnomAD no frequency). This sequence change replaces aspartic acid, which is acidic and polar, with alanine, which is neutral and non-polar, at codon 3289 of the DYNC2H1 protein (p.Asp3289Ala).

Literature cited by the submitters: PubMed 29068549.